The following is an entry in ClinVar:

NM_001845.6(COL4A1):c.3896G>A (p.Gly1299Glu)

Gene: COL4A1 (collagen type IV alpha 1 chain; minus strand). Cytogenetic location: 13q34.
Variant type: single nucleotide variant.
Coding change: c.3896G>A on transcript NM_001845.6 (MANE Select); coding-DNA position 3896, G replaced by A.
Protein change: p.Gly1299Glu; replaces glycine 1299 with glutamic acid.
Molecular consequence: missense variant.
Genome position (GRCh38, 1-based): chr13:110,167,211, C>T on the plus strand (G>A on the coding strand, the complement: COL4A1 is on the minus strand). VCF-style: chr13-110167211-C-T. GRCh37 (hg19) VCF-style: chr13-110819558-C-T.
Other names: short protein forms G1299E.
Identifiers: ClinVar variation 5034769 (VCV005034769.1).

ClinVar aggregate classification (germline): Uncertain significance (1 of 4 stars; one submission).

Conditions:
Inborn genetic diseases. Identifiers: MedGen C0950123, MeSH D030342.

Submission:

Ambry Genetics
Classification: Uncertain significance for Inborn genetic diseases. Last evaluated: 2026-08-25. Review status: criteria provided, single submitter. Criteria: Ambry Variant Classification Scheme 2023. Collection method: clinical testing. Allele origin: germline.
Comment: The c.3896G>A (p.G1299E) alteration is located in exon 44 (coding exon 44) of the COL4A1 gene. This alteration results from a G to A substitution at nucleotide position 3896, causing the glycine (G) at amino acid position 1299 to be replaced by a glutamic acid (E). This variant was not reported in population-based cohorts in the Genome Aggregation Database (gnomAD). This variant was reported in individual(s) with features consistent with COL4A1-related disorders (Kukulka, 2024). This amino acid position is highly conserved in available vertebrate species. This alteration is predicted to be deleterious by in silico analysis. Based on insufficient or conflicting evidence, the clinical significance of this alteration remains unclear.

Literature cited by the submitters: PubMed 38942733.